The following is an entry in ClinVar:

ClinVar aggregate classification (germline): Uncertain significance (1 of 4 stars; one submission).

Submission:

Ambry Genetics
Classification: Uncertain significance. Last evaluated: 2026-08-13. Review status: criteria provided, single submitter. Criteria: Ambry Variant Classification Scheme 2023. Collection method: clinical testing. Allele origin: germline.
Comment: The p.Q842E variant (also known as c.2524C>G), located in coding exon 1 of the MLH3 gene, results from a C to G substitution at nucleotide position 2524. The glutamine at codon 842 is replaced by glutamic acid, an amino acid with highly similar properties. This amino acid position is conserved. In addition, this alteration is predicted to be tolerated by in silico analysis. Based on the available evidence, the clinical significance of this variant remains unclear.

NM_001040108.2(MLH3):c.2524C>G (p.Gln842Glu)

Gene: MLH3 (mutL homolog 3; minus strand). Cytogenetic location: 14q24.3.
Variant type: single nucleotide variant.
Coding change: c.2524C>G on transcript NM_001040108.2 (MANE Select); coding-DNA position 2524, C replaced by G.
Protein change: p.Gln842Glu; replaces glutamine 842 with glutamic acid.
Molecular consequence: missense variant.
Genome position (GRCh38, 1-based): chr14:75,047,132, G>C on the plus strand (C>G on the coding strand, the complement: MLH3 is on the minus strand). VCF-style: chr14-75047132-G-C. GRCh37 (hg19) VCF-style: chr14-75513835-G-C.
Other names: c.2524C>G, p.Gln842Glu (NM_014381.3); short protein forms Q842E.
Identifiers: ClinVar variation 5024629 (VCV005024629.1).